The following is an entry in ClinVar:

NC_000023.10:g.(?_133119282)_(133119476_?)del

Gene: GPC3 (glypican 3; minus strand). Cytogenetic location: Xq26.2.
Variant type: Deletion.
Identifiers: ClinVar variation 2425127 (VCV002425127.5).

ClinVar aggregate classification (germline): Pathogenic (1 of 4 stars; one submission).

Conditions:
Wilms tumor 1 (WT1). Also called: Wilms tumor, somatic. Identifiers: Orphanet 654, MedGen CN033288, MONDO:0008679, OMIM 194070.

Submission:

Labcorp Genetics (formerly Invitae), Labcorp
Classification: Pathogenic for Wilms tumor 1. Last evaluated: 2022-04-01. Review status: criteria provided, single submitter. Criteria: Invitae Variant Classification Sherloc (09022015). Collection method: clinical testing. Allele origin: germline.
Comment: This variant is a gross deletion of the genomic region encompassing exon(s) 1 of the GPC3 gene, which includes the initiator codon. This deletion extends beyond the assayed region for this gene and therefore may encompass additional genes. It is expected to result in an absent or disrupted protein product. Loss-of-function variants in GPC3 are known to be pathogenic (PMID: 10402475, 12713262, 17603795). A similar copy number variant has been observed in individual(s) with Simpson-Golabi-Behmel syndrome (PMID: 8958336, 9192268, 27739211). For these reasons, this variant has been classified as Pathogenic.

Literature cited by the submitters: PubMed 10402475; PubMed 12713262; PubMed 17603795; PubMed 8958336; PubMed 9192268; PubMed 27739211.